The following is an entry in ClinVar:

NM_012210.4(TRIM32):c.501G>A (p.Lys167=)

Genes: ASTN2 (astrotactin 2; minus strand), TRIM32 (tripartite motif containing 32; plus strand). Cytogenetic location: 9q33.1.
Variant type: single nucleotide variant.
Coding change: c.501G>A on transcript NM_012210.4 (MANE Select); coding-DNA position 501, G replaced by A.
Protein change: p.Lys167=; no amino-acid change (lysine 167 retained).
Molecular consequence: synonymous variant. On other transcripts: intron variant (3).
Genome position (GRCh38, 1-based): chr9:116,698,243, G>A. VCF-style: chr9-116698243-G-A. GRCh37 (hg19) VCF-style: chr9-119460522-G-A.
Other names: c.501G>A, p.Lys167= (NM_001099679.2, NM_001379048.1, NM_001379049.1 and 1 more transcripts); c.2653+27528C>T (NM_014010.5); c.2794+27528C>T (NM_001365069.1); c.2806+27528C>T (NM_001365068.1).
Identifiers: ClinVar variation 95498 (VCV000095498.18), dbSNP rs200085883, ClinGen allele CA223038.
Genomic context (GRCh38, chr9:116,698,243, plus strand): 5'-GGACTTTGGAGAGAAGTTAACTCGTCTGCGGGAACTTATGGGGGAGCTGCAGCGGCGGAA[G>A]GCAGCCTTGGAAGGTGTCTCCAAGGACCTTCAGGCAAGGTATAAAGCAGTTCTCCAGGAG-3'
Protein context (NP_036342.2, residues 157-177): RELMGELQRR[Lys167=]AALEGVSKDL

ClinVar aggregate classification (germline): Conflicting classifications of pathogenicity. Review status: criteria provided, conflicting classifications (1 of 4 stars). 5 submissions from 5 submitters: Uncertain significance (1); Likely benign (3). 1 of the submissions does not count toward it. Last evaluated 2025-12-14.

Conditions:
TRIM32-related disorder. Also called: TRIM32-related condition.
Bardet-Biedl syndrome (BBS). Identifiers: Orphanet 110, MedGen C0752166, MONDO:0015229.

Allele frequency attached by ClinVar (database versions not stated): gnomAD exomes 0.00002 and 0.00007; ExAC 0.00003; gnomAD 0.00004 and 0.00005; TOPMed 0.00006; ESP Exome Variant Server 0.00008.
gnomAD v4.1: 105 of 1,614,024 alleles (0.0065%); highest among the groups gnomAD compares: Middle Eastern, 0.033%; no homozygotes.

Submissions (5):

Labcorp Genetics (formerly Invitae), Labcorp
Classification: Likely benign for Bardet-Biedl syndrome. Last evaluated: 2025-12-14. Review status: criteria provided, single submitter. Criteria: Invitae Variant Classification Sherloc (09022015). Collection method: clinical testing. Allele origin: germline.

Blueprint Genetics
Classification: Likely benign. Last evaluated: 2023-03-30. Review status: criteria provided, single submitter. Criteria: ACMG Guidelines, 2015. Collection method: clinical testing. Allele origin: germline.

GeneDx
Classification: Likely benign. Last evaluated: 2017-06-13. Review status: criteria provided, single submitter. Criteria: GeneDx Variant Classification (06012015). Collection method: clinical testing. Allele origin: germline. Affected: yes.
Comment: This variant is considered likely benign or benign based on one or more of the following criteria: it is a conservative change, it occurs at a poorly conserved position in the protein, it is predicted to be benign by multiple in silico algorithms, and/or has population frequency not consistent with disease.

Eurofins Ntd Llc (ga)
Classification: Uncertain significance. Last evaluated: 2013-11-08. Review status: criteria provided, single submitter. Criteria: EGL Classification Definitions 2015. Collection method: clinical testing. Allele origin: germline. Observed: 1 variant allele, 1 heterozygote.

PreventionGenetics, part of Exact Sciences
Classification: Likely benign for TRIM32-related condition. Last evaluated: 2022-01-22. Review status: no assertion criteria provided. Collection method: clinical testing. Allele origin: germline. Not counted in ClinVar's aggregate classification.
Comment: This variant is classified as likely benign based on ACMG/AMP sequence variant interpretation guidelines (Richards et al. 2015 PMID: 25741868, with internal and published modifications).